The following is an entry in ClinVar:

ClinVar aggregate classification (germline): Uncertain significance. Review status: criteria provided, multiple submitters, no conflicts (2 of 4 stars). 2 submissions from 2 submitters: Uncertain significance (2). Last evaluated 2023-11-21.

Allele frequency attached by ClinVar (database versions not stated): TOPMed 0.00001.

Submissions (2):

Labcorp Genetics (formerly Invitae), Labcorp
Classification: Uncertain significance. Last evaluated: 2023-11-21. Review status: criteria provided, single submitter. Criteria: Invitae Variant Classification Sherloc (09022015). Collection method: clinical testing. Allele origin: germline.
Comment: This sequence change replaces tryptophan, which is neutral and slightly polar, with cysteine, which is neutral and slightly polar, at codon 235 of the THBD protein (p.Trp235Cys). This variant is not present in population databases (gnomAD no frequency). This variant has not been reported in the literature in individuals affected with THBD-related conditions. ClinVar contains an entry for this variant (Variation ID: 1712810). Advanced modeling of protein sequence and biophysical properties (such as structural, functional, and spatial information, amino acid conservation, physicochemical variation, residue mobility, and thermodynamic stability) performed at Invitae indicates that this missense variant is expected to disrupt THBD protein function with a positive predictive value of 80%. In summary, the available evidence is currently insufficient to determine the role of this variant in disease. Therefore, it has been classified as a Variant of Uncertain Significance.

GeneDx
Classification: Uncertain significance. Last evaluated: 2022-04-27. Review status: criteria provided, single submitter. Criteria: GeneDx Variant Classification Process June 2021. Collection method: clinical testing. Allele origin: germline. Affected: yes.
Comment: Not observed at significant frequency in large population cohorts (gnomAD); In silico analysis supports that this missense variant has a deleterious effect on protein structure/function; Has not been previously published as pathogenic or benign to our knowledge

NM_000361.3(THBD):c.705G>T (p.Trp235Cys)

Gene: THBD (thrombomodulin; minus strand). Cytogenetic location: 20p11.21.
Variant type: single nucleotide variant.
Coding change: c.705G>T on transcript NM_000361.3 (MANE Select); coding-DNA position 705, G replaced by T.
Protein change: p.Trp235Cys; replaces tryptophan 235 with cysteine.
Molecular consequence: missense variant.
Genome position (GRCh38, 1-based): chr20:23,048,800, C>A on the plus strand (G>T on the coding strand, the complement: THBD is on the minus strand). VCF-style: chr20-23048800-C-A. GRCh37 (hg19) VCF-style: chr20-23029437-C-A.
Other names: short protein forms W235C.
Identifiers: ClinVar variation 1712810 (VCV001712810.6), dbSNP rs1157517880, ClinGen allele CA408407122.